The following is an entry in ClinVar:

ClinVar aggregate classification (germline): Uncertain significance (1 of 4 stars; one submission).

Conditions:
Costello syndrome (CSTLO). Also called: FACIOCUTANEOSKELETAL SYNDROME; FCS SYNDROME; HRAS-Related Costello Syndrome. Identifiers: Orphanet 3071, MedGen C0587248, MONDO:0009026, OMIM 218040.

gnomAD v4.1: 1 of 1,613,168 alleles (0.000062%); highest among the groups gnomAD compares: Non-Finnish European, 0.000085%; no homozygotes.

Submission:

Labcorp Genetics (formerly Invitae), Labcorp
Classification: Uncertain significance for Costello syndrome. Last evaluated: 2024-07-02. Review status: criteria provided, single submitter. Criteria: Invitae Variant Classification Sherloc (09022015). Collection method: clinical testing. Allele origin: germline.
Comment: This sequence change replaces lysine, which is basic and polar, with arginine, which is basic and polar, at codon 167 of the HRAS protein (p.Lys167Arg). This variant is not present in population databases (gnomAD no frequency). This variant has not been reported in the literature in individuals affected with HRAS-related conditions. Advanced modeling of protein sequence and biophysical properties (such as structural, functional, and spatial information, amino acid conservation, physicochemical variation, residue mobility, and thermodynamic stability) performed at Invitae indicates that this missense variant is not expected to disrupt HRAS protein function with a negative predictive value of 95%. In summary, the available evidence is currently insufficient to determine the role of this variant in disease. Therefore, it has been classified as a Variant of Uncertain Significance.

NM_005343.4(HRAS):c.500A>G (p.Lys167Arg)

Genes: HRAS (HRas proto-oncogene, GTPase; minus strand), LRRC56 (leucine rich repeat containing 56; plus strand). Cytogenetic location: 11p15.5.
Variant type: single nucleotide variant.
Coding change: c.500A>G on transcript NM_005343.4 (MANE Select); coding-DNA position 500, A replaced by G.
Protein change: p.Lys167Arg; replaces lysine 167 with arginine.
Molecular consequence: missense variant. On other transcripts: 3 prime UTR variant (1).
Genome position (GRCh38, 1-based): chr11:532,706, T>C on the plus strand (A>G on the coding strand, the complement: HRAS is on the minus strand). VCF-style: chr11-532706-T-C. GRCh37 (hg19) VCF-style: chr11-532706-T-C.
Other names: c.500A>G, p.Lys167Arg (NM_001130442.3); c.263A>G, p.Lys88Arg (NM_001318054.2); c.*69A>G (NM_176795.5); short protein forms K167R, K88R.
Identifiers: ClinVar variation 3637848 (VCV003637848.2).